The following is an entry in ClinVar:

ClinVar aggregate classification (germline): Pathogenic. Review status: reviewed by expert panel (3 of 4 stars). 7 submissions from 7 submitters: Pathogenic (1). 6 of the submissions do not count toward it. Last evaluated 2016-10-18.

Conditions:
Hereditary breast ovarian cancer syndrome. Also called: Hereditary breast and ovarian cancer syndrome (HBOC); Breast and ovarian cancer; Hereditary breast and ovarian cancer syndrome; Hereditary breast and ovarian cancer; BRCA1- and BRCA2-Associated Hereditary Breast and Ovarian Cancer; Hereditary breast and/or ovarian cancer syndrome. Identifiers: Orphanet 145, MedGen C0677776, MeSH D061325, MONDO:0003582. Disease mechanism: loss of function.
Breast-ovarian cancer, familial, susceptibility to, 1 (BROVCA1). Also called: BRCA1 Hereditary Breast and Ovarian Cancer; OVARIAN CANCER, SUSCEPTIBILITY TO. Identifiers: Orphanet 145, MedGen C2676676, MONDO:0011450, OMIM 604370. Disease mechanism: loss of function.
Hereditary cancer-predisposing syndrome. Also called: Hereditary Cancer Syndrome; Neoplastic Syndromes, Hereditary; Hereditary neoplastic syndrome; Tumor predisposition. Identifiers: Orphanet 140162, MedGen C0027672, MeSH D009386, MONDO:0015356.

Submissions (7):

Evidence-based Network for the Interpretation of Germline Mutant Alleles (ENIGMA)
Classification: Pathogenic for Breast-ovarian cancer, familial, susceptibility to, 1. Last evaluated: 2016-10-18. Review status: reviewed by expert panel. Criteria: ENIGMA BRCA1/2 Classification Criteria (2015). Collection method: curation. Allele origin: germline.
Comment: Variant allele predicted to encode a truncated non-functional protein.

Labcorp Genetics (formerly Invitae), Labcorp
Classification: Pathogenic for Hereditary breast ovarian cancer syndrome. Last evaluated: 2025-02-19. Review status: criteria provided, single submitter. Criteria: Invitae Variant Classification Sherloc (09022015). Collection method: clinical testing. Allele origin: germline. Not counted in ClinVar's aggregate classification.
Comment: This sequence change creates a premature translational stop signal (p.Arg136Aspfs*27) in the BRCA1 gene. It is expected to result in an absent or disrupted protein product. Loss-of-function variants in BRCA1 are known to be pathogenic (PMID: 20104584). This variant is not present in population databases (gnomAD no frequency). This premature translational stop signal has been observed in individual(s) with personal and/or family history of breast and/or ovarian cancer and diffuse gastric cancer (PMID: 25948282, 31514334). This variant is also known as c.403delA. ClinVar contains an entry for this variant (Variation ID: 266438). For these reasons, this variant has been classified as Pathogenic.

Baylor Genetics
Classification: Pathogenic for Breast-ovarian cancer, familial, susceptibility to, 1. Last evaluated: 2023-12-17. Review status: criteria provided, single submitter. Criteria: ACMG Guidelines, 2015. Collection method: clinical testing. Allele origin: unknown. Not counted in ClinVar's aggregate classification.

Ambry Genetics
Classification: Pathogenic for Hereditary cancer-predisposing syndrome. Last evaluated: 2022-12-12. Review status: criteria provided, single submitter. Criteria: Ambry Variant Classification Scheme 2023. Collection method: clinical testing. Allele origin: germline. Not counted in ClinVar's aggregate classification.
Comment: The c.406delA pathogenic mutation, located in coding exon 5 of the BRCA1 gene, results from a deletion of one nucleotide at nucleotide position 406, causing a translational frameshift with a predicted alternate stop codon (p.R136Dfs*27). This alteration was identified in 3 of 1019 Italian women affected with breast cancer with BRCA1/2 pathogenic variants (Figlioli G et al. Cancers (Basel), 2021 Jan;13:). This variant is considered to be rare based on population cohorts in the Genome Aggregation Database (gnomAD). In addition to the clinical data presented in the literature, this alteration is expected to result in loss of function by premature protein truncation or nonsense-mediated mRNA decay. As such, this alteration is interpreted as a disease-causing mutation.

Clinical Genetics and Genomics, Karolinska University Hospital
Classification: Pathogenic. Last evaluated: 2017-04-21. Review status: criteria provided, single submitter. Criteria: ACMG Guidelines, 2015. Collection method: clinical testing. Allele origin: germline. Affected: yes. Observed: 7 variant alleles. Not counted in ClinVar's aggregate classification.

Consortium of Investigators of Modifiers of BRCA1/2 (CIMBA), c/o University of Cambridge
Classification: Pathogenic for Breast-ovarian cancer, familial, susceptibility to, 1. Last evaluated: 2015-10-02. Review status: criteria provided, single submitter. Criteria: CIMBA Mutation Classification guidelines May 2016. Collection method: clinical testing. Allele origin: germline. Not counted in ClinVar's aggregate classification.

BRCAlab, Lund University
Classification: Pathogenic for Breast-ovarian cancer, familial, susceptibility to, 1. Last evaluated: 2022-08-26. Review status: no assertion criteria provided. Collection method: clinical testing. Allele origin: germline. Affected: yes. Not counted in ClinVar's aggregate classification.

Literature cited by the submitters: PubMed 20104584 (cited by Labcorp Genetics (formerly Invitae), Labcorp); PubMed 25948282 (cited by Labcorp Genetics (formerly Invitae), Labcorp); PubMed 31514334 (cited by Labcorp Genetics (formerly Invitae), Labcorp); PubMed 33573335 (cited by Ambry Genetics).

NM_007294.4(BRCA1):c.406del (p.Arg136fs)

Gene: BRCA1 (BRCA1 DNA repair associated; minus strand). Cytogenetic location: 17q21.31.
Variant type: Deletion.
Coding change: c.406del on transcript NM_007294.4 (MANE Select); coding-DNA position 406, one base deleted (A; older notation c.406delA).
Protein change: p.Arg136fs; shifts the reading frame from arginine 136.
Molecular consequence: frameshift variant. On other transcripts: non-coding transcript variant (1).
Genome position (GRCh38, 1-based): chr17:43,104,157, T deleted on the plus strand (A on the coding strand, the reverse complement: BRCA1 is on the minus strand); the first of 4 consecutive T bases (chr17:43,104,157-43,104,160); deleting any one gives the same sequence. VCF-style (leftmost placement, unchanged base first): chr17-43104156-CT-C. GRCh37 (hg19) VCF-style: chr17-41256173-CT-C.
Other names: 525delA; c.406delA (NM_007294.3); c.403delA, p.Arg136Aspfs (NM_001408426.1, NM_001408427.1, NM_001408428.1 and 164 more transcripts); c.271delA, p.Arg92Aspfs (NM_001408451.1); c.262delA, p.Arg89Aspfs (NM_001408452.1, NM_001408453.1, NM_001408454.1 and 98 more transcripts); c.325delA, p.Arg110Aspfs (NM_001408474.1, NM_001408475.1, NM_001408476.1 and 21 more transcripts); c.193delA, p.Arg66Aspfs (NM_001408478.1, NM_001408479.1, NM_001408480.1 and 58 more transcripts); c.22delA, p.Arg9Aspfs (NM_001408510.1, NM_001408512.1, NM_001407959.1 and 4 more transcripts); and 3 more; short protein forms R136fs, R89fs.
Identifiers: ClinVar variation 266438 (VCV000266438.35), dbSNP rs80357709, ClinGen allele CA10590013.